The following is an entry in ClinVar:

NM_000760.4(CSF3R):c.1771G>A (p.Glu591Lys)

Gene: CSF3R (colony stimulating factor 3 receptor; minus strand). Cytogenetic location: 1p34.3.
Variant type: single nucleotide variant.
Coding change: c.1771G>A on transcript NM_000760.4 (MANE Select); coding-DNA position 1771, G replaced by A.
Protein change: p.Glu591Lys; replaces glutamic acid 591 with lysine.
Molecular consequence: missense variant.
Genome position (GRCh38, 1-based): chr1:36,467,915, C>T on the plus strand (G>A on the coding strand, the complement: CSF3R is on the minus strand). VCF-style: chr1-36467915-C-T. GRCh37 (hg19) VCF-style: chr1-36933516-C-T.
Other names: c.1771G>A, p.Glu591Lys (NM_156039.3, NM_172313.3); short protein forms E591K.
Identifiers: ClinVar variation 2804069 (VCV002804069.3), dbSNP rs769348066, ClinGen allele CA769076.
Genomic context (GRCh38, chr1:36,467,915, plus strand): 5'-TGTTGGTGGCCCCAGCCTGGCTGGCAGCCATGAGGTGGATGTGATACAGACTGGCGGGCT[C>T]CAGGCCATGGAGGACAAAGCCACGGGAGGAGGCATTCAGGATGGCGGCTGGGAGGGGTGT-3'
Protein context (NP_000751.1, residues 581-601): SSRGFVLHGL[Glu591Lys]PASLYHIHLM

ClinVar aggregate classification (germline): Uncertain significance (1 of 4 stars; one submission).

Conditions:
Autosomal recessive severe congenital neutropenia due to CSF3R deficiency. Also called: Neutropenia, severe congenital, 7, autosomal recessive. Identifiers: Orphanet 420702, MedGen C4310764, MONDO:0014865, OMIM 617014.

Allele frequency attached by ClinVar (database versions not stated): ExAC 0.00001; gnomAD 0.00001.
gnomAD v4.1: 11 of 1,614,068 alleles (0.00068%); highest among the groups gnomAD compares: Admixed American, 0.0017%; no homozygotes.

Submission:

Labcorp Genetics (formerly Invitae), Labcorp
Classification: Uncertain significance for Autosomal recessive severe congenital neutropenia due to CSF3R deficiency. Last evaluated: 2023-01-30. Review status: criteria provided, single submitter. Criteria: Invitae Variant Classification Sherloc (09022015). Collection method: clinical testing. Allele origin: germline.
Comment: In summary, the available evidence is currently insufficient to determine the role of this variant in disease. Therefore, it has been classified as a Variant of Uncertain Significance. Advanced modeling of protein sequence and biophysical properties (such as structural, functional, and spatial information, amino acid conservation, physicochemical variation, residue mobility, and thermodynamic stability) performed at Invitae indicates that this missense variant is not expected to disrupt CSF3R protein function. This variant has not been reported in the literature in individuals affected with CSF3R-related conditions. The frequency data for this variant in the population databases is considered unreliable, as metrics indicate poor data quality at this position in the gnomAD database. This sequence change replaces glutamic acid, which is acidic and polar, with lysine, which is basic and polar, at codon 591 of the CSF3R protein (p.Glu591Lys).